The following is an entry in ClinVar:

ClinVar aggregate classification (germline): Conflicting classifications of pathogenicity. Review status: criteria provided, conflicting classifications (1 of 4 stars). 4 submissions from 4 submitters: Likely pathogenic (3); Uncertain significance (1). Last evaluated 2026-06-27.

Conditions:
CBL-related disorder. Also called: NOONAN SYNDROME-LIKE DISORDER WITHOUT JUVENILE MYELOMONOCYTIC LEUKEMIA; CBL MUTATION-ASSOCIATED SYNDROME; CBL SYNDROME. Identifiers: Orphanet 363972, MedGen C3150803, MONDO:0013308, OMIM 613563.
RASopathy. Also called: rasopathies; Noonan spectrum disorder. Identifiers: Orphanet 536391, MedGen C5555857, MONDO:0021060.

Submissions (4):

GeneDx
Classification: Likely pathogenic. Last evaluated: 2026-06-27. Review status: criteria provided, single submitter. Criteria: GeneDx Variant Classification Process June 2021. Collection method: clinical testing. Allele origin: germline.
Comment: Not observed at significant frequency in large population cohorts (gnomAD); In silico analysis supports that this missense variant has a deleterious effect on protein structure/function; Has not been previously published as pathogenic or benign to our knowledge; This variant is associated with the following publications: (PMID: 20619386, 22315494)

Labcorp Genetics (formerly Invitae), Labcorp
Classification: Uncertain significance for RASopathy. Last evaluated: 2026-01-27. Review status: criteria provided, single submitter. Criteria: Invitae Variant Classification Sherloc (09022015). Collection method: clinical testing. Allele origin: germline.
Comment: This sequence change replaces lysine, which is basic and polar, with glutamic acid, which is acidic and polar, at codon 389 of the CBL protein (p.Lys389Glu). This variant is not present in population databases (gnomAD no frequency). This variant has not been reported in the literature in individuals affected with CBL-related conditions. ClinVar contains an entry for this variant (Variation ID: 405365). Invitae Evidence Modeling of protein sequence and biophysical properties (such as structural, functional, and spatial information, amino acid conservation, physicochemical variation, residue mobility, and thermodynamic stability) indicates that this missense variant is expected to disrupt CBL protein function with a positive predictive value of 95%. In summary, the available evidence is currently insufficient to determine the role of this variant in disease. Therefore, it has been classified as a Variant of Uncertain Significance.

MGZ Medical Genetics Center
Classification: Likely pathogenic for CBL-related disorder. Last evaluated: 2022-05-12. Review status: criteria provided, single submitter. Criteria: ACMG Guidelines, 2015. Collection method: clinical testing. Allele origin: germline. Affected: yes. Observed: 1 variant allele.
Comment: ACMG criteria applied: PM1, PS2_SUP, PS4_SUP, PM2_SUP, PM5_SUP, PP3

St. Jude Molecular Pathology, St. Jude Children's Research Hospital
Classification: Likely pathogenic for CBL-related disorder. Last evaluated: 2021-10-07. Review status: criteria provided, single submitter. Criteria: St. Jude Assertion Criteria 2020. Collection method: clinical testing. Allele origin: germline. Affected: yes.
Comment: The CBL c.1165A>G (p.Lys389Glu) missense change replaces lysine with glutamic acid at codon 389 of the CBL gene and is absent in population databases including gnomAD v2.1.1 (PM2_supporting). The lysine residue is located in the RING finger domain which is a known mutational hotspot in myeloid malignancies and the location of germline pathogenic variants causing Noonan syndrome-like disorder (PM1; PMID: 20619386). This is consistent with the mechanism of leukemogenesis in individuals with JMML and pathogenic germline variants in CBL (PMID: 20694012, 33375775). Seven of seven in silico tools predict a deleterious effect of this variant on protein function (PP3). There is a different pathogenic variant (p.Lys389Thr) previously reported at this codon (ClinVar Accession: SCV001826631.1, SCV001445234.1). In summary, this variant meets criteria to be classified as likely pathogenic based on the ACMG/AMP criteria applied: PS4_supporting, PM1, PM2_supporting, PP3, PP4.

NM_005188.4(CBL):c.1165A>G (p.Lys389Glu)

Gene: CBL (Cbl proto-oncogene; plus strand). Cytogenetic location: 11q23.3.
Variant type: single nucleotide variant.
Coding change: c.1165A>G on transcript NM_005188.4 (MANE Select); coding-DNA position 1165, A replaced by G.
Protein change: p.Lys389Glu; replaces lysine 389 with glutamic acid.
Molecular consequence: missense variant.
Genome position (GRCh38, 1-based): chr11:119,278,235, A>G. VCF-style: chr11-119278235-A-G. GRCh37 (hg19) VCF-style: chr11-119148945-A-G.
Other names: c.1165A>G (NM_005188.2); short protein forms K389E.
Identifiers: ClinVar variation 405365 (VCV000405365.15), dbSNP rs1060500676, ClinGen allele CA16613479.